The following is an entry in ClinVar:

ClinVar aggregate classification (germline): Uncertain significance. Review status: reviewed by expert panel (3 of 4 stars). 28 submissions from 28 submitters: Uncertain significance (1). 27 of the submissions do not count toward it. Last evaluated 2018-04-12.

Conditions:
Inherited breast cancer and ovarian cancer.
BRCA1-related cancer predisposition. Identifiers: MedGen CN377757, MONDO:0700268.
Breast-ovarian cancer, familial, susceptibility to, 1 (BROVCA1). Also called: BRCA1 Hereditary Breast and Ovarian Cancer; OVARIAN CANCER, SUSCEPTIBILITY TO. Identifiers: Orphanet 145, MedGen C2676676, MONDO:0011450, OMIM 604370. Disease mechanism: loss of function.
Fanconi anemia, complementation group S (FANCS). Identifiers: MedGen C4554406, MONDO:0054748, OMIM 617883.
Pancreatic cancer, susceptibility to, 4. Identifiers: Orphanet 1333, MedGen C3280442, MONDO:0013685, OMIM 614320.
Breast and/or ovarian cancer. Identifiers: MedGen CN221562.
Hereditary cancer-predisposing syndrome. Also called: Neoplastic Syndromes, Hereditary; Tumor predisposition; Hereditary Cancer Syndrome; Hereditary neoplastic syndrome. Identifiers: Orphanet 140162, MedGen C0027672, MeSH D009386, MONDO:0015356.
Hereditary breast ovarian cancer syndrome. Also called: Hereditary breast and ovarian cancer; Breast and ovarian cancer; Hereditary breast and/or ovarian cancer syndrome; BRCA1- and BRCA2-Associated Hereditary Breast and Ovarian Cancer; Hereditary breast and ovarian cancer syndrome; Hereditary breast and ovarian cancer syndrome (HBOC). Identifiers: Orphanet 145, MedGen C0677776, MeSH D061325, MONDO:0003582. Disease mechanism: loss of function.
Familial cancer of breast. Also called: Hereditary breast cancer; hereditary breast carcinoma; BREAST CANCER, FAMILIAL. Identifiers: Orphanet 227535, MedGen C0346153, MONDO:0016419, OMIM 114480. Disease mechanism: loss of function.
Malignant tumor of breast. Also called: Cancer breast; Malignant breast neoplasm. Identifiers: MedGen C0006142, MONDO:0007254. Disease mechanism: loss of function.
Breast carcinoma. Also called: Carcinoma of breast. Identifiers: MedGen C0678222, MONDO:0004989, HP:0003002.

Allele frequency attached by ClinVar (database versions not stated): TOPMed below 0.00001; ExAC 0.00002; gnomAD 0.00001; gnomAD exomes 0.00001 and below 0.00001.
gnomAD v4.1: 6 of 1,613,864 alleles (0.00037%); highest among the groups gnomAD compares: Non-Finnish European, 0.00042%; no homozygotes.

Submissions 1 to 6 of 28:

Evidence-based Network for the Interpretation of Germline Mutant Alleles (ENIGMA)
Classification: Uncertain significance for Breast-ovarian cancer, familial, susceptibility to, 1. Last evaluated: 2018-04-12. Review status: reviewed by expert panel. Criteria: ENIGMA BRCA1/2 Classification Criteria (2017-06-29). Collection method: curation. Allele origin: germline. Study: ENIGMA.
Comment: Clinical data collected by the ENIGMA consortium demonstrates that the BRCA1 c.4096+1G>A variant may not exhibit the clinical characteristics of a standard high-risk pathogenic BRCA1 variant (Spurdle, unpublished data). This splice site variant has been proven to result in production of naturally occurring in-frame transcripts delta11q (Bonatti et al., 2006 - PMID: 17011978) and delta11 (Radice, unpublished data). Since no clinically relevant domain has been described in BRCA1 exon 11 (ENIGMA rules), the splicing alteration is compatible with the clinical data, and supports Class-3 classification.

Cambridge Genomics Laboratory, East Genomic Laboratory Hub, NHS Genomic Medicine Service
Classification: Uncertain significance for Inherited breast cancer and ovarian cancer. Last evaluated: 2026-10-15. Review status: criteria provided, single submitter. Criteria: ACGS Best Practice Guidelines for Variant Classification in Rare Disease 2020. Collection method: clinical testing. Allele origin: germline. Affected: yes. Not counted in ClinVar's aggregate classification.
Comment: PVS1_Moderate,PS4_Supporting,PM2_Supporting,BP5

Hema, HEMA – Genetic and Molecular Diagnostic Laboratory
Classification: Uncertain significance for BRCA1-related cancer predisposition. Last evaluated: 2026-09-14. Review status: criteria provided, single submitter. Criteria: HEMA Variant Classification Assertion Criteria. Collection method: clinical testing. Allele origin: germline. Not counted in ClinVar's aggregate classification.
Comment: The variant c.4096+1G>A is a transition of guanine to adenine that affects the donor splice site of intron 10 of the BRCA1 gene. PVS1_Moderate: This variant results in an increase in the levels of naturally present transcripts (delta)10q3309 (PMID:17011978) and (delta)10 (Radice, unpublished data). Data collected by the ENIGMA Consortium demonstrate that the variant c.4096+1G>A does not exhibit the clinical characteristics typical of a high-risk pathogenic variant in the BRCA1 gene; therefore, the criterion is applied with "moderate" strength (ClinGen ENIGMA BRCA1 and BRCA2 Variant Curation Expert Panel). BS4: The variant does not cosegregate with breast cancer. Segregation likelihood ratio (LR) = 0.0124 < 0.053 (families P016, P017, P016, P0112, P0115, P0116, P0118, P0122 from PMID: 37958491).

Labcorp Genetics (formerly Invitae), Labcorp
Classification: Uncertain significance for Hereditary breast ovarian cancer syndrome. Last evaluated: 2025-12-21. Review status: criteria provided, single submitter. Criteria: Invitae Variant Classification Sherloc (09022015). Collection method: clinical testing. Allele origin: germline. Not counted in ClinVar's aggregate classification.
Comment: This sequence change affects a donor splice site in intron 10 of the BRCA1 gene. It is expected to disrupt RNA splicing. Variants that disrupt the donor or acceptor splice site typically lead to a loss of protein function (PMID: 16199547), and loss-of-function variants in BRCA1 are known to be pathogenic (PMID: 20104584). This variant is present in population databases (rs80358178, gnomAD 0.003%). Disruption of this splice site has been observed in individual(s) with BRCA1-related conditions (PMID: 17011978, 21156238, 27328445, 29116469, 29433453, 29446198, 32885271). ClinVar contains an entry for this variant (Variation ID: 37565). Studies have shown disruption of this splice site is associated with skipping of part of exon 10 and skipping of exon 10, but one or more of the resulting mRNA isoform(s) may be naturally occurring (PMID: 24569164, 32398771; internal data). In summary, the available evidence is currently insufficient to determine the role of this variant in disease. Therefore, it has been classified as a Variant of Uncertain Significance.

Ambry Genetics
Classification: Likely pathogenic for Hereditary cancer-predisposing syndrome. Last evaluated: 2025-11-20. Review status: criteria provided, single submitter. Criteria: Ambry Variant Classification Scheme 2023. Collection method: clinical testing. Allele origin: germline. Not counted in ClinVar's aggregate classification.
Comment: The c.4096+1G>A intronic variant results from a G to A substitution one nucleotide after coding exon 9 of the BRCA1 gene. This alteration has been reported in several triple-negative breast and ovarian cancer patients (Bonatti F et al. Cancer Genet Cytogenet. 2006 Oct 15;170(2):93-101; Brianese RC et al. Breast Cancer Res. Treat., 2018 Feb;167:803-814; Lerner-Ellis J et al. J Cancer Res Clin Oncol. 2021 Mar;147:871-879), as well as multiple cohorts of ancestrally diverse of individuals undergoing genetic testing for hereditary cancer risk (Santonocito C et al. Cancers (Basel). 2020 May;12; Susswein LR et al. Genet. Med. 2016 08;18:823-32; Tsaousis GN et al. BMC Cancer. 2019 Jun;19:535; Rebbeck TR et al. Hum. Mutat. 2018 05;39:593-620). RNA studies showed that this alteration leads to a partial exon 11 (CDS9) skipping event-termed &Delta;11q (Ambry internal data; Bonatti F et al. Cancer Genet Cytogenet. 2006 Oct 15;170(2):93-101). However, these transcripts are also naturally occurring in humans and there is discordance among studies regarding the impact on the encoded proteins with respect to cellular localization and their role in hereditary cancer (Colombo M et al. Hum. Mol. Genet. 2014; 23(14):3666&ndash;3680; Thakur S et al. Mol. Cell. Biol. 1997 Jan; 17(1):444-52; Huber LJ et al. Mol. Cell. Biol. 2001 Jun; 21(12):4005-15). Of note, this alteration is also designated as IVS11+1G>A in published literature. Based on the majority of available evidence to date, this variant is likely to be pathogenic. However, carriers of this variant and their families may present with reduced risks, and not with the typical clinical characteristics of a high-risk pathogenic BRCA1 alteration. As risk estimates are unknown at this time, clinical correlation is advised.

Quest Diagnostics Nichols Institute San Juan Capistrano
Classification: Uncertain significance. Last evaluated: 2025-07-16. Review status: criteria provided, single submitter. Criteria: Quest Diagnostics criteria. Collection method: clinical testing. Allele origin: unknown. Not counted in ClinVar's aggregate classification.
Comment: The BRCA1 c.4096+1G>A variant has been reported in the published literature in individuals affected with breast and/or ovarian cancer (PMIDs: 17011978 (2006), 21156238 (2010), 27328445 (2016), 29116469 (2018), 30675319 (2019), 32438681 (2020), and 32885271 (2021), 35534704 (2021), 35534704 (2022)) and prostate cancer (PMID: 29433453 (2018)). This variant has been proven to result in production of a naturally occurring in-frame transcript ‘delta 11’ (PMID: 17011978 (2006), ENIGMA Consortium (Evidence-based Network for the Interpretation of Germline Mutant Alleles)) and may not exhibit the clinical characteristics of a standard high-risk pathogenic BRCA1 variant. The 'delta 11' isoform of BRCA1 has been shown to be naturally occurring and one of the most abundant alternatively spliced isoforms found in normal tissues, such as breast and lymphocytes (PMID: 24569164 (2014)). In addition, functional studies have indicated that BRCA1 isoforms without BRCA1 exon 11 are partially or fully functional (PMID: 8972225 (1997), 11359908 (2001), 16943438 (2006)). The frequency of this variant in the general population (Genome Aggregation Database) is uninformative in the assessment of its pathogenicity. Based on the available information, we are unable to determine the clinical significance of this variant.

NM_007294.4(BRCA1):c.4096+1G>A

Genes: BRCA1 (BRCA1 DNA repair associated; minus strand), LOC126862571 (BRD4-independent group 4 enhancer GRCh37_chr17:41243136-41244335; plus strand). Cytogenetic location: 17q21.31.
Variant type: single nucleotide variant.
Coding change: c.4096+1G>A on transcript NM_007294.4 (MANE Select); the canonical splice donor site of the intron after coding-DNA position 4096, G replaced by A.
Molecular consequence: splice donor variant. On other transcripts: intron variant (135).
Genome position (GRCh38, 1-based): chr17:43,091,434, C>T on the plus strand (G>A on the coding strand, the complement: BRCA1 is on the minus strand). VCF-style: chr17-43091434-C-T. GRCh37 (hg19) VCF-style: chr17-41243451-C-T.
Other names: IVS11+1G>A; c.4096+1G>A (NM_001407626.1, NM_001407617.1, NM_001407652.1 and 30 more transcripts); c.578-402G>A (NM_001408492.1, NM_001408513.1, NM_001408514.1 and 9 more transcripts); c.644-402G>A (NM_001408468.1, NM_001408465.1, NM_001408463.1 and 3 more transcripts); c.3952+1G>A (NM_001407842.1, NM_001407749.1, NM_001407846.1 and 20 more transcripts); c.524-402G>A (NM_001408501.1, NM_001408500.1, NM_001408497.1 and 3 more transcripts); c.647-402G>A (NM_001408455.1, NM_001408466.1, NM_001408452.1 and 11 more transcripts); c.3955+1G>A (NM_001407731.1, NM_001407695.1, NM_001407726.1 and 29 more transcripts); and 42 more.
Identifiers: ClinVar variation 37565 (VCV000037565.73), dbSNP rs80358178, ClinGen allele CA002617.